The following is an entry in ClinVar:

ClinVar aggregate classification (germline): Conflicting classifications of pathogenicity. Review status: criteria provided, conflicting classifications (1 of 4 stars). 5 submissions from 5 submitters: Uncertain significance (4); Likely benign (1). Last evaluated 2026-01-06.

Conditions:
Familial colorectal cancer. Identifiers: MedGen CN280943, MONDO:0023113. Disease mechanism: loss of function.
POLD1-related polyposis and colorectal cancer syndrome (CRCS10). Also called: Colorectal cancer 10; COLORECTAL CANCER, SUSCEPTIBILITY TO, ON CHROMOSOME 19q; Colorectal cancer, susceptibility to, 10. Identifiers: Orphanet 220460, MedGen C2675481, MONDO:0012953, OMIM 612591.
Hereditary cancer-predisposing syndrome. Also called: Tumor predisposition; Hereditary Cancer Syndrome; Neoplastic Syndromes, Hereditary; Hereditary neoplastic syndrome. Identifiers: Orphanet 140162, MedGen C0027672, MeSH D009386, MONDO:0015356.

Allele frequency attached by ClinVar (database versions not stated): gnomAD 0.00001; TOPMed 0.00001; gnomAD exomes 0.00002; ExAC 0.00003; ESP Exome Variant Server 0.00008.
gnomAD v4.1: 31 of 1,609,562 alleles (0.0019%); highest among the groups gnomAD compares: Admixed American, 0.0034%; no homozygotes.

Submissions (5):

Labcorp Genetics (formerly Invitae), Labcorp
Classification: Uncertain significance for POLD1-related polyposis and colorectal cancer syndrome. Last evaluated: 2026-01-06. Review status: criteria provided, single submitter. Criteria: Invitae Variant Classification Sherloc (09022015). Collection method: clinical testing. Allele origin: germline.
Comment: This sequence change replaces arginine, which is basic and polar, with histidine, which is basic and polar, at codon 225 of the POLD1 protein (p.Arg225His). This variant is present in population databases (rs144979965, gnomAD 0.005%). This missense change has been observed in individual(s) with breast cancer (PMID: 35534704). ClinVar contains an entry for this variant (Variation ID: 220850). Invitae Evidence Modeling of protein sequence and biophysical properties (such as structural, functional, and spatial information, amino acid conservation, physicochemical variation, residue mobility, and thermodynamic stability) indicates that this missense variant is not expected to disrupt POLD1 protein function with a negative predictive value of 80%. In summary, the available evidence is currently insufficient to determine the role of this variant in disease. Therefore, it has been classified as a Variant of Uncertain Significance.

GeneDx
Classification: Uncertain significance. Last evaluated: 2025-04-21. Review status: criteria provided, single submitter. Criteria: GeneDx Variant Classification Process June 2021. Collection method: clinical testing. Allele origin: germline.
Comment: Not observed at significant frequency in large population cohorts (gnomAD); In silico analysis supports that this missense variant has a deleterious effect on protein structure/function; This variant is associated with the following publications: (PMID: 29056344, 31034466, 35264596, 35534704)

Laboratory of Genetics, Children's Clinical University Hospital Latvia
Classification: Likely benign. Last evaluated: 2025-02-16. Review status: criteria provided, single submitter. Criteria: ACMG Guidelines, 2015. Collection method: clinical testing. Allele origin: germline. Affected: yes.

Ambry Genetics
Classification: Uncertain significance for Hereditary cancer-predisposing syndrome. Last evaluated: 2024-09-06. Review status: criteria provided, single submitter. Criteria: Ambry Variant Classification Scheme 2023. Collection method: clinical testing. Allele origin: germline.
Comment: The p.R225H variant (also known as c.674G>A), located in coding exon 5 of the POLD1 gene, results from a G to A substitution at nucleotide position 674. The arginine at codon 225 is replaced by histidine, an amino acid with highly similar properties. This amino acid position is well conserved in available vertebrate species. In addition, this alteration is predicted to be tolerated by in silico analysis. Based on the available evidence, the clinical significance of this variant remains unclear.

Mendelics
Classification: Uncertain significance for Familial colorectal cancer. Last evaluated: 2018-07-02. Review status: criteria provided, single submitter. Criteria: Mendelics Assertion Criteria 2017. Collection method: clinical testing. Allele origin: unknown.

Literature cited by the submitters: PubMed 35534704 (cited by Labcorp Genetics (formerly Invitae), Labcorp).

NM_002691.4(POLD1):c.674G>A (p.Arg225His)

Gene: POLD1 (DNA polymerase delta 1, catalytic subunit; plus strand). Cytogenetic location: 19q13.33.
Variant type: single nucleotide variant.
Coding change: c.674G>A on transcript NM_002691.4 (MANE Select); coding-DNA position 674, G replaced by A.
Protein change: p.Arg225His; replaces arginine 225 with histidine.
Molecular consequence: missense variant. On other transcripts: non-coding transcript variant (1).
Genome position (GRCh38, 1-based): chr19:50,402,289, G>A. VCF-style: chr19-50402289-G-A. GRCh37 (hg19) VCF-style: chr19-50905546-G-A.
Other names: c.674G>A, p.Arg225His (NM_001256849.1, NM_001308632.1); short protein forms R225H.
Identifiers: ClinVar variation 220850 (VCV000220850.16), dbSNP rs144979965, ClinGen allele CA348690.